The following is an entry in ClinVar:

ClinVar aggregate classification (germline): Likely benign. Review status: criteria provided, multiple submitters, no conflicts (2 of 4 stars). 3 submissions from 3 submitters: Likely benign (2). 1 of the submissions does not count toward it. Last evaluated 2025-12-22.

Conditions:
LRP4-related disorder. Also called: LRP4-related condition.
Congenital myasthenic syndrome 17. Identifiers: Orphanet 590, MedGen C4225377, MONDO:0014578, OMIM 616304.
Cenani-Lenz syndactyly syndrome. Also called: CENANI SYNDACTYLISM; SYNDACTYLY, TYPE VII. Identifiers: Orphanet 3258, MedGen C1859309, MONDO:0008931, OMIM 212780.
Sclerosteosis 2 (SOST2). Identifiers: Orphanet 3152, MedGen C3280402, MONDO:0013679, OMIM 614305.

Allele frequency attached by ClinVar (database versions not stated): 1000 Genomes Project 0.00020; gnomAD 0.00015 and 0.00017; 1000 Genomes Project 30x 0.00031; TOPMed 0.00010; ESP Exome Variant Server 0.00031.
gnomAD v4.1: 341 of 1,612,444 alleles (0.021%); highest among the groups gnomAD compares: Non-Finnish European, 0.026%; no homozygotes.

Submissions (3):

Labcorp Genetics (formerly Invitae), Labcorp
Classification: Likely benign for Cenani-Lenz syndactyly syndrome; Sclerosteosis 2; Congenital myasthenic syndrome 17. Last evaluated: 2025-12-22. Review status: criteria provided, single submitter. Criteria: Invitae Variant Classification Sherloc (09022015). Collection method: clinical testing. Allele origin: germline.

Mayo Clinic Laboratories, Mayo Clinic
Classification: Likely benign. Last evaluated: 2025-01-03. Review status: criteria provided, single submitter. Criteria: ACMG Guidelines, 2015. Collection method: clinical testing. Allele origin: germline. Observed: 1 variant allele.
Comment: BP4, BP7

PreventionGenetics, part of Exact Sciences
Classification: Likely benign for LRP4-related condition. Last evaluated: 2019-04-29. Review status: no assertion criteria provided. Collection method: clinical testing. Allele origin: germline. Not counted in ClinVar's aggregate classification.
Comment: This variant is classified as likely benign based on ACMG/AMP sequence variant interpretation guidelines (Richards et al. 2015 PMID: 25741868, with internal and published modifications).

NM_002334.4(LRP4):c.1310-9G>C

Gene: LRP4 (LDL receptor related protein 4; minus strand). Cytogenetic location: 11p11.2.
Variant type: single nucleotide variant.
Coding change: c.1310-9G>C on transcript NM_002334.4 (MANE Select); 9 bases into the intron before coding-DNA position 1310, G replaced by C.
Molecular consequence: intron variant.
Genome position (GRCh38, 1-based): chr11:46,894,828, C>G on the plus strand (G>C on the coding strand, the complement: LRP4 is on the minus strand). VCF-style: chr11-46894828-C-G. GRCh37 (hg19) VCF-style: chr11-46916379-C-G.
Other names: p.?.
Identifiers: ClinVar variation 702196 (VCV000702196.13), dbSNP rs200509094, ClinGen allele CA5970176.